The following is an entry in ClinVar:

NM_003906.5(MCM3AP):c.4814C>G (p.Pro1605Arg)

Genes: MCM3AP (minichromosome maintenance complex component 3 associated protein; minus strand), MCM3AP-AS1 (MCM3AP antisense RNA 1; plus strand). Cytogenetic location: 21q22.3.
Variant type: single nucleotide variant.
Coding change: c.4814C>G on transcript NM_003906.5 (MANE Select); coding-DNA position 4814, C replaced by G.
Protein change: p.Pro1605Arg; replaces proline 1605 with arginine.
Molecular consequence: missense variant.
Genome position (GRCh38, 1-based): chr21:46,245,031, G>C on the plus strand (C>G on the coding strand, the complement: MCM3AP is on the minus strand). VCF-style: chr21-46245031-G-C. GRCh37 (hg19) VCF-style: chr21-47664945-G-C.
Other names: short protein forms P1605R.
Identifiers: ClinVar variation 2091600 (VCV002091600.2), dbSNP rs2517319086, ClinGen allele CA410543590.

ClinVar aggregate classification (germline): Uncertain significance (1 of 4 stars; one submission).

Submission:

Labcorp Genetics (formerly Invitae), Labcorp
Classification: Uncertain significance. Last evaluated: 2022-02-11. Review status: criteria provided, single submitter. Criteria: Invitae Variant Classification Sherloc (09022015). Collection method: clinical testing. Allele origin: germline.
Comment: Algorithms developed to predict the effect of missense changes on protein structure and function are either unavailable or do not agree on the potential impact of this missense change (SIFT: "Deleterious"; PolyPhen-2: "Probably Damaging"; Align-GVGD: "Class C0"). In summary, the available evidence is currently insufficient to determine the role of this variant in disease. Therefore, it has been classified as a Variant of Uncertain Significance. This variant has not been reported in the literature in individuals affected with MCM3AP-related conditions. This variant is not present in population databases (gnomAD no frequency). This sequence change replaces proline, which is neutral and non-polar, with arginine, which is basic and polar, at codon 1605 of the MCM3AP protein (p.Pro1605Arg).